The following is an entry in ClinVar:

NM_001377458.1(CLCC1):c.266_267del (p.Asp88_Tyr89insTer)

Gene: CLCC1 (chloride channel CLIC like 1; minus strand). Cytogenetic location: 1p13.3.
Variant type: Deletion.
Coding change: c.266_267del on transcript NM_001377458.1 (MANE Select); coding-DNA positions 266 to 267, 2 bases deleted (AT; older notation c.266_267delAT).
Protein change: p.Asp88_Tyr89insTer.
Molecular consequence: nonsense. On other transcripts: 5 prime UTR variant (1), non-coding transcript variant (1).
Genome position (GRCh38, 1-based): chr1:108,947,683-108,947,684, AT deleted on the plus strand (AT on the coding strand, the reverse complement: CLCC1 is on the minus strand); deleting any 2 consecutive bases within chr1:108,947,683-108,947,685 gives the same sequence; the c. name uses the placement nearest the transcript's 3' end. VCF-style (leftmost placement, unchanged base first): chr1-108947682-CAT-C. GRCh37 (hg19) VCF-style: chr1-109490304-CAT-C.
Other names: c.266_267del, p.Asp88_Tyr89insTer (NM_001048210.3, NM_001278202.2, NM_001278203.1 and 11 more transcripts); c.164_165del, p.Asp54_Tyr55insTer (NM_001377469.1); c.-197_-196del (NM_001377470.1).
Identifiers: ClinVar variation 2052582 (VCV002052582.4), dbSNP rs769390772, ClinGen allele CA983631.

ClinVar aggregate classification (germline): Uncertain significance (1 of 4 stars; one submission).

Submission:

Labcorp Genetics (formerly Invitae), Labcorp
Classification: Uncertain significance. Last evaluated: 2021-12-22. Review status: criteria provided, single submitter. Criteria: Invitae Variant Classification Sherloc (09022015). Collection method: clinical testing. Allele origin: germline.
Comment: In summary, the available evidence is currently insufficient to determine the role of this variant in disease. Therefore, it has been classified as a Variant of Uncertain Significance. This variant has not been reported in the literature in individuals affected with CLCC1-related conditions. This variant is present in population databases (rs769390772, gnomAD 0.007%). This sequence change creates a premature translational stop signal (p.Tyr89*) in the CLCC1 gene. It is expected to result in an absent or disrupted protein product. However, the current clinical and genetic evidence is not sufficient to establish whether loss-of-function variants in CLCC1 cause disease.